The following is an entry in ClinVar:

NM_001130144.3(LTBP3):c.1537A>G (p.Thr513Ala)

Gene: LTBP3 (latent transforming growth factor beta binding protein 3; minus strand). Cytogenetic location: 11q13.1.
Variant type: single nucleotide variant.
Coding change: c.1537A>G on transcript NM_001130144.3 (MANE Select); coding-DNA position 1537, A replaced by G.
Protein change: p.Thr513Ala; replaces threonine 513 with alanine.
Molecular consequence: missense variant.
Genome position (GRCh38, 1-based): chr11:65,551,559, T>C on the plus strand (A>G on the coding strand, the complement: LTBP3 is on the minus strand). VCF-style: chr11-65551559-T-C. GRCh37 (hg19) VCF-style: chr11-65319030-T-C.
Other names: c.1186A>G, p.Thr396Ala (NM_001164266.1); c.1537A>G, p.Thr513Ala (NM_021070.4); c.1537A>G (NM_001130144.2); short protein forms T513A, T396A.
Identifiers: ClinVar variation 2730675 (VCV002730675.5), dbSNP rs774640865, ClinGen allele CA6100953.

ClinVar aggregate classification (germline): Uncertain significance. Review status: criteria provided, multiple submitters, no conflicts (2 of 4 stars). 2 submissions from 2 submitters: Uncertain significance (2). Last evaluated 2025-04-09.

Conditions:
Brachyolmia-amelogenesis imperfecta syndrome. Also called: PLATYSPONDYLY WITH AMELOGENESIS IMPERFECTA; Tooth agenesis, selective, 6; Dental anomalies and short stature. Identifiers: Orphanet 2899, MedGen C1832594, MONDO:0011018, OMIM 601216. Disease mechanism: loss of function.
Inborn genetic diseases. Identifiers: MedGen C0950123, MeSH D030342.

Allele frequency attached by ClinVar (database versions not stated): gnomAD exomes 0.00001; ExAC 0.00002; gnomAD 0.00002; TOPMed 0.00003.

Submissions (2):

Ambry Genetics
Classification: Uncertain significance for Inborn genetic diseases. Last evaluated: 2025-04-09. Review status: criteria provided, single submitter. Criteria: Ambry Variant Classification Scheme 2023. Collection method: clinical testing. Allele origin: germline.

Labcorp Genetics (formerly Invitae), Labcorp
Classification: Uncertain significance for Brachyolmia-amelogenesis imperfecta syndrome. Last evaluated: 2023-10-14. Review status: criteria provided, single submitter. Criteria: Invitae Variant Classification Sherloc (09022015). Collection method: clinical testing. Allele origin: germline.
Comment: This sequence change replaces threonine, which is neutral and polar, with alanine, which is neutral and non-polar, at codon 513 of the LTBP3 protein (p.Thr513Ala). This variant is present in population databases (rs774640865, gnomAD 0.006%). This variant has not been reported in the literature in individuals affected with LTBP3-related conditions. An algorithm developed to predict the effect of missense changes on protein structure and function (PolyPhen-2) suggests that this variant is likely to be tolerated. In summary, the available evidence is currently insufficient to determine the role of this variant in disease. Therefore, it has been classified as a Variant of Uncertain Significance.